The following is an entry in ClinVar:

ClinVar aggregate classification (germline): Uncertain significance (1 of 4 stars; one submission).

Submission:

Labcorp Genetics (formerly Invitae), Labcorp
Classification: Uncertain significance. Last evaluated: 2025-01-01. Review status: criteria provided, single submitter. Criteria: Invitae Variant Classification Sherloc (09022015). Collection method: clinical testing. Allele origin: germline.
Comment: This sequence change replaces aspartic acid, which is acidic and polar, with tyrosine, which is neutral and polar, at codon 231 of the KLHL9 protein (p.Asp231Tyr). This variant is not present in population databases (gnomAD no frequency). This variant has not been reported in the literature in individuals affected with KLHL9-related conditions. Invitae Evidence Modeling of protein sequence and biophysical properties (such as structural, functional, and spatial information, amino acid conservation, physicochemical variation, residue mobility, and thermodynamic stability) indicates that this missense variant is not expected to disrupt KLHL9 protein function with a negative predictive value of 80%. In summary, the available evidence is currently insufficient to determine the role of this variant in disease. Therefore, it has been classified as a Variant of Uncertain Significance.

NM_018847.4(KLHL9):c.691G>T (p.Asp231Tyr)

Gene: KLHL9 (kelch like family member 9; minus strand). Cytogenetic location: 9p21.3.
Variant type: single nucleotide variant.
Coding change: c.691G>T on transcript NM_018847.4 (MANE Select); coding-DNA position 691, G replaced by T.
Protein change: p.Asp231Tyr; replaces aspartic acid 231 with tyrosine.
Molecular consequence: missense variant.
Genome position (GRCh38, 1-based): chr9:21,334,169, C>A on the plus strand (G>T on the coding strand, the complement: KLHL9 is on the minus strand). VCF-style: chr9-21334169-C-A. GRCh37 (hg19) VCF-style: chr9-21334168-C-A.
Other names: short protein forms D231Y.
Identifiers: ClinVar variation 3718491 (VCV003718491.2).